The following is an entry in ClinVar:

NM_004304.5(ALK):c.86C>T (p.Ala29Val)

Gene: ALK (ALK receptor tyrosine kinase; minus strand). Cytogenetic location: 2p23.1.
Variant type: single nucleotide variant.
Coding change: c.86C>T on transcript NM_004304.5 (MANE Select); coding-DNA position 86, C replaced by T.
Protein change: p.Ala29Val; replaces alanine 29 with valine.
Molecular consequence: missense variant.
Genome position (GRCh38, 1-based): chr2:29,920,574, G>A on the plus strand (C>T on the coding strand, the complement: ALK is on the minus strand). VCF-style: chr2-29920574-G-A. GRCh37 (hg19) VCF-style: chr2-30143440-G-A.
Other names: short protein forms A29V.
Identifiers: ClinVar variation 955684 (VCV000955684.9), dbSNP rs1667969126, ClinGen allele CA346590716.

ClinVar aggregate classification (germline): Uncertain significance (1 of 4 stars; one submission).

Conditions:
Neuroblastoma, susceptibility to, 3. Also called: ALK-Related Neuroblastic Tumor Susceptibility. Identifiers: Orphanet 635, MedGen C2751681, MONDO:0013083, OMIM 613014.

Allele frequency attached by ClinVar (database versions not stated): gnomAD exomes below 0.00001.
gnomAD v4.1: 1 of 1,587,574 alleles (0.000063%); highest among the groups gnomAD compares: Non-Finnish European, 0.000085%; no homozygotes.

Submission:

Labcorp Genetics (formerly Invitae), Labcorp
Classification: Uncertain significance for Neuroblastoma, susceptibility to, 3. Last evaluated: 2019-08-10. Review status: criteria provided, single submitter. Criteria: Invitae Variant Classification Sherloc (09022015). Collection method: clinical testing. Allele origin: germline.
Comment: This sequence change replaces alanine with valine at codon 29 of the ALK protein (p.Ala29Val). The alanine residue is weakly conserved and there is a small physicochemical difference between alanine and valine. In summary, the available evidence is currently insufficient to determine the role of this variant in disease. Therefore, it has been classified as a Variant of Uncertain Significance. Algorithms developed to predict the effect of missense changes on protein structure and function output the following: SIFT: "Tolerated"; PolyPhen-2: "Benign"; Align-GVGD: "Class C0". The valine amino acid residue is found in multiple mammalian species, suggesting that this missense change does not adversely affect protein function. These predictions have not been confirmed by published functional studies and their clinical significance is uncertain. This variant has not been reported in the literature in individuals with ALK-related conditions. This variant is not present in population databases (ExAC no frequency).